The following is an entry in ClinVar:

NM_001267550.2(TTN):c.52406-2A>C

Genes: TTN (titin; minus strand), TTN-AS1 (TTN antisense RNA 1; plus strand). Cytogenetic location: 2q31.2.
Variant type: single nucleotide variant.
Coding change: c.52406-2A>C on transcript NM_001267550.2 (MANE Select); the canonical splice acceptor site of the intron before coding-DNA position 52406, A replaced by C.
Molecular consequence: splice acceptor variant.
Genome position (GRCh38, 1-based): chr2:178,608,479, T>G on the plus strand (A>C on the coding strand, the complement: TTN is on the minus strand). VCF-style: chr2-178608479-T-G. GRCh37 (hg19) VCF-style: chr2-179473206-T-G.
Other names: c.25211-2A>C (NM_003319.4); c.25787-2A>C (NM_133437.4); c.25586-2A>C (NM_133432.3); c.44702-2A>C (NM_133378.4); c.47483-2A>C (NM_001256850.1).
Identifiers: ClinVar variation 535037 (VCV000535037.19), dbSNP rs753798236, ClinGen allele CA1993995.

ClinVar aggregate classification (germline): Conflicting classifications of pathogenicity. Review status: criteria provided, conflicting classifications (1 of 4 stars). 5 submissions from 5 submitters: Likely pathogenic (4); Uncertain significance (1). Last evaluated 2026-02-03.

Conditions:
Cardiovascular phenotype. Identifiers: MedGen CN230736.
Dilated cardiomyopathy 1G (CMD1G). Identifiers: Orphanet 154, MedGen C1858763, MONDO:0011400, OMIM 604145.
Autosomal recessive limb-girdle muscular dystrophy type 2J (LGMDR10). Also called: Limb-girdle muscular dystrophy, type 2J; MUSCULAR DYSTROPHY, LIMB-GIRDLE, AUTOSOMAL RECESSIVE 10. Identifiers: Orphanet 140922, MedGen C1837342, MONDO:0012127, OMIM 608807.

Allele frequency attached by ClinVar (database versions not stated): ExAC below 0.00001; TOPMed 0.00002; gnomAD 0.00002.
gnomAD v4.1: 3 of 1,574,136 alleles (0.00019%); highest among the groups gnomAD compares: African/African-American, 0.0041%; no homozygotes.

Submissions (5):

GeneDx
Classification: Likely pathogenic. Last evaluated: 2026-02-03. Review status: criteria provided, single submitter. Criteria: GeneDx Variant Classification Process June 2021. Collection method: clinical testing. Allele origin: germline.
Comment: Canonical splice site variant predicted to result in an in-frame loss of the adjacent exon in a gene for which loss of function is a known mechanism of disease; Located in the A-band, a region of TTN for which truncating variants are significantly associated with autosomal dominant cardiomyopathy and also with autosomal recessive skeletal myopathies (PMID: 22335739, 32778822); Not observed at significant frequency in large population cohorts (gnomAD); Has not been previously published as pathogenic or benign to our knowledge; This variant is associated with the following publications: (PMID: 22335739, 32778822)

Labcorp Genetics (formerly Invitae), Labcorp
Classification: Likely pathogenic for Dilated cardiomyopathy 1G; Autosomal recessive limb-girdle muscular dystrophy type 2J. Last evaluated: 2025-11-23. Review status: criteria provided, single submitter. Criteria: Invitae Variant Classification Sherloc (09022015). Collection method: clinical testing. Allele origin: germline.
Comment: This sequence change affects an acceptor splice site in intron 274 of the TTN gene. It is expected to disrupt RNA splicing and likely results in a truncated or disrupted TTN protein. This variant is present in population databases (rs753798236, gnomAD 0.005%). This variant has not been reported in the literature in individuals affected with TTN-related conditions. ClinVar contains an entry for this variant (Variation ID: 535037). Algorithms developed to predict the effect of sequence changes on RNA splicing suggest that this variant may disrupt the consensus splice site. This variant is located in the A band of TTN (PMID: 25589632). Truncating variants in this region are significantly overrepresented in patients affected with dilated cardiomyopathy (PMID: 25589632). Truncating variants in this region have also been reported in individuals affected with autosomal recessive centronuclear myopathy (PMID: 23975875). In summary, the currently available evidence indicates that the variant is pathogenic, but additional data are needed to prove that conclusively. Therefore, this variant has been classified as Likely Pathogenic.

Ambry Genetics
Classification: Uncertain significance for Cardiovascular phenotype. Last evaluated: 2023-09-11. Review status: criteria provided, single submitter. Criteria: Ambry Variant Classification Scheme 2023. Collection method: clinical testing. Allele origin: germline.
Comment: The c.25211-2A>C intronic variant results from an A to C substitution two nucleotides upstream from coding exon 102 in the TTN gene. Exon 102 is located in the A-band region of the N2-B isoform of the titin protein and is constitutively expressed in TTN transcripts (percent spliced in or PSI 100%). This nucleotide position is highly conserved in available vertebrate species. In silico splice site analysis predicts that this alteration will weaken the native splice acceptor site and will result in the creation or strengthening of a novel splice acceptor site. The resulting transcript is predicted to be in-frame and is not expected to trigger nonsense-mediated mRNA decay. The exact functional effect of the missing amino acids is unknown. Since supporting evidence is limited at this time, the clinical significance of this alteration remains unclear.

AiLife Diagnostics
Classification: Likely pathogenic. Last evaluated: 2022-02-17. Review status: criteria provided, single submitter. Criteria: ACMG Guidelines, 2015. Collection method: clinical testing. Allele origin: germline. Affected: yes. Observed: 1 variant allele.

Revvity Omics, Revvity
Classification: Likely pathogenic. Last evaluated: 2020-09-18. Review status: criteria provided, single submitter. Criteria: ACMG Guidelines, 2015. Collection method: clinical testing. Allele origin: germline.

Literature cited by the submitters: PubMed 25589632 (cited by Labcorp Genetics (formerly Invitae), Labcorp); PubMed 23975875 (cited by Labcorp Genetics (formerly Invitae), Labcorp).